The following is an entry in ClinVar:

ClinVar aggregate classification (germline): Benign. Review status: criteria provided, multiple submitters, no conflicts (2 of 4 stars). 8 submissions from 8 submitters: Benign (7). 1 of the submissions does not count toward it. Last evaluated 2026-02-04.

Conditions:
Donnai-Barrow syndrome. Also called: DBS/FOAR SYNDROME; FACIOOCULOACOUSTICORENAL SYNDROME. Identifiers: Orphanet 2143, MedGen C1857277, MONDO:0009104, OMIM 222448.

Allele frequency attached by ClinVar (database versions not stated): gnomAD exomes 0.00126 and 0.00377; ExAC 0.00454; ESP Exome Variant Server 0.01384; gnomAD 0.01424 and 0.01524; TOPMed 0.01472; 1000 Genomes Project 30x 0.01640; 1000 Genomes Project 0.01677.
gnomAD v4.1: 4,132 of 1,614,108 alleles (0.26%); highest among the groups gnomAD compares: African/African-American, 4.7%; 86 homozygotes.

Submissions (9):

Labcorp Genetics (formerly Invitae), Labcorp
Classification: Benign. Last evaluated: 2026-02-04. Review status: criteria provided, single submitter. Criteria: Invitae Variant Classification Sherloc (09022015). Collection method: clinical testing. Allele origin: germline.

Mayo Clinic Laboratories, Mayo Clinic
Classification: Benign. Last evaluated: 2023-04-11. Review status: criteria provided, single submitter. Criteria: ACMG Guidelines, 2015. Collection method: clinical testing. Allele origin: germline. Observed: 1 variant allele.

Genome-Nilou Lab
Classification: Benign for Donnai-Barrow syndrome. Last evaluated: 2021-07-15. Review status: criteria provided, single submitter. Criteria: ACMG Guidelines, 2015. Collection method: clinical testing. Allele origin: germline. Affected: no.

GeneDx
Classification: Benign. Last evaluated: 2021-04-15. Review status: criteria provided, single submitter. Criteria: GeneDx Variant Classification Process June 2021. Collection method: clinical testing. Allele origin: germline. Affected: yes.

Illumina Laboratory Services, Illumina
Classification: Benign for Donnai-Barrow syndrome. Last evaluated: 2018-01-13. Review status: criteria provided, single submitter. Criteria: ICSL Variant Classification Criteria 13 December 2019. Collection method: clinical testing. Allele origin: germline.
Comment: This variant was observed in the ICSL laboratory as part of a predisposition screen in an ostensibly healthy population. It had not been previously curated by ICSL or reported in the Human Gene Mutation Database (HGMD: prior to June 1st, 2018), and was therefore a candidate for classification through an automated scoring system. Utilizing variant allele frequency, disease prevalence and penetrance estimates, and inheritance mode, an automated score was calculated to assess if this variant is too frequent to cause the disease. Based on the score and internal cut-off values, a variant classified as benign is not then subjected to further curation. The score for this variant resulted in a classification of benign for this disease.

Center for Pediatric Genomic Medicine, Children's Mercy Hospital and Clinics
Classification: Benign. Last evaluated: 2015-06-04. Review status: criteria provided, single submitter. Criteria: ACMG Guidelines, 2015. Collection method: clinical testing. Allele origin: germline.

Breakthrough Genomics
Classification: Benign. Review status: criteria provided, single submitter. Criteria: ACMG Guidelines, 2015. Collection method: not provided. Allele origin: germline. Inheritance: Autosomal recessive inheritance. Affected: yes.

Dr. Peter K. Rogan Lab, Western University
No classification provided (evidence only). Condition: Uterine corpus endometrial carcinoma. Review status: no classification provided. Collection method: in vitro. Allele origin: not applicable. Functional consequence: retained intron. Not counted in ClinVar's aggregate classification.

Genetic Services Laboratory, University of Chicago
Classification: Likely benign for AllHighlyPenetrant. Review status: no assertion criteria provided. Collection method: clinical testing. Allele origin: germline. Inheritance: Autosomal recessive inheritance. Not counted in ClinVar's aggregate classification.
Comment: Likely benign based on allele frequency in 1000 Genomes Project or ESP global frequency and its presence in a patient with a rare or unrelated disease phenotype. NOT Sanger confirmed.

NM_004525.3(LRP2):c.11759-5T>G

Gene: LRP2 (LDL receptor related protein 2; minus strand). Cytogenetic location: 2q31.1.
Variant type: single nucleotide variant.
Coding change: c.11759-5T>G on transcript NM_004525.3 (MANE Select); 5 bases into the intron before coding-DNA position 11759, T replaced by G.
Molecular consequence: intron variant.
Genome position (GRCh38, 1-based): chr2:169,162,605, A>C on the plus strand (T>G on the coding strand, the complement: LRP2 is on the minus strand). VCF-style: chr2-169162605-A-C. GRCh37 (hg19) VCF-style: chr2-170019115-A-C.
Other names: p.?.
Identifiers: ClinVar variation 129496 (VCV000129496.26), dbSNP rs76488092, ClinGen allele CA153544.